The following is an entry in ClinVar:

ClinVar aggregate classification (germline): Uncertain significance. Review status: criteria provided, multiple submitters, no conflicts (2 of 4 stars). 3 submissions from 3 submitters: Uncertain significance (3). Last evaluated 2025-12-02.

Conditions:
Cerebral palsy, spastic quadriplegic, 2 (CPSQ2). Identifiers: Orphanet 210141, MedGen C2752061, MONDO:0013033, OMIM 612900.

Allele frequency attached by ClinVar (database versions not stated): TOPMed below 0.00001; gnomAD 0.00001; gnomAD exomes 0.00001.
gnomAD v4.1: 13 of 1,606,556 alleles (0.00081%); highest among the groups gnomAD compares: Admixed American, 0.0051%; no homozygotes.

Submissions (3):

Ambry Genetics
Classification: Uncertain significance. Last evaluated: 2025-12-02. Review status: criteria provided, single submitter. Criteria: Ambry Variant Classification Scheme 2023. Collection method: clinical testing. Allele origin: germline.

Labcorp Genetics (formerly Invitae), Labcorp
Classification: Uncertain significance. Last evaluated: 2025-11-10. Review status: criteria provided, single submitter. Criteria: Invitae Variant Classification Sherloc (09022015). Collection method: clinical testing. Allele origin: germline.
Comment: This sequence change replaces histidine, which is basic and polar, with arginine, which is basic and polar, at codon 825 of the KANK1 protein (p.His825Arg). This variant is present in population databases (no rsID available, gnomAD 0.007%). This variant has not been reported in the literature in individuals affected with KANK1-related conditions. ClinVar contains an entry for this variant (Variation ID: 1494644). Invitae Evidence Modeling of protein sequence and biophysical properties (such as structural, functional, and spatial information, amino acid conservation, physicochemical variation, residue mobility, and thermodynamic stability) indicates that this missense variant is expected to disrupt KANK1 protein function with a positive predictive value of 80%. In summary, the available evidence is currently insufficient to determine the role of this variant in disease. Therefore, it has been classified as a Variant of Uncertain Significance.

Fulgent Genetics
Classification: Uncertain significance for Cerebral palsy, spastic quadriplegic, 2. Last evaluated: 2021-12-30. Review status: criteria provided, single submitter. Criteria: ACMG Guidelines, 2015. Collection method: clinical testing. Allele origin: unknown.

NM_015158.5(KANK1):c.2474A>G (p.His825Arg)

Gene: KANK1 (KN motif and ankyrin repeat domains 1; plus strand). Cytogenetic location: 9p24.3.
Variant type: single nucleotide variant.
Coding change: c.2474A>G on transcript NM_015158.5 (MANE Select); coding-DNA position 2474, A replaced by G.
Protein change: p.His825Arg; replaces histidine 825 with arginine.
Molecular consequence: missense variant. On other transcripts: non-coding transcript variant (1).
Genome position (GRCh38, 1-based): chr9:713,240, A>G. VCF-style: chr9-713240-A-G. GRCh37 (hg19) VCF-style: chr9-713240-A-G.
Other names: c.2474A>G, p.His825Arg (NM_001256876.3, NM_001256877.3, NM_001354331.2 and 2 more transcripts); c.2000A>G, p.His667Arg (NM_001354333.2, NM_001354335.2, NM_001354336.2 and 9 more transcripts); c.2474A>G (NM_015158.2); short protein forms H667R, H825R.
Identifiers: ClinVar variation 1494644 (VCV001494644.11), dbSNP rs1324583042, ClinGen allele CA372750343.